The following is an entry in ClinVar:

NM_001163809.2(WDR81):c.1877C>T (p.Pro626Leu)

Gene: WDR81 (WD repeat domain 81; plus strand). Cytogenetic location: 17p13.3.
Variant type: single nucleotide variant.
Coding change: c.1877C>T on transcript NM_001163809.2 (MANE Select); coding-DNA position 1877, C replaced by T.
Protein change: p.Pro626Leu; replaces proline 626 with leucine.
Molecular consequence: missense variant. On other transcripts: intron variant (3).
Genome position (GRCh38, 1-based): chr17:1,726,836, C>T. VCF-style: chr17-1726836-C-T. GRCh37 (hg19) VCF-style: chr17-1630130-C-T.
Other names: p.Pro626Leu; c.-123-1154C>T (NM_152348.4); c.59-3544C>T (NM_001163673.2); c.-15+2050C>T (NM_001163811.2); short protein forms P626L.
Identifiers: ClinVar variation 377023 (VCV000377023.34), dbSNP rs148644987, ClinGen allele CA8273080.

ClinVar aggregate classification (germline): Benign/Likely benign. Review status: criteria provided, multiple submitters, no conflicts (2 of 4 stars). 5 submissions from 5 submitters: Benign (2); Likely benign (3). Last evaluated 2026-06-01.

Allele frequency attached by ClinVar (database versions not stated): TOPMed 0.00403; gnomAD exomes 0.00034 and 0.00084; ExAC 0.00172; 1000 Genomes Project 30x 0.00359; gnomAD 0.00370 and 0.00393; 1000 Genomes Project 0.00379.

Submissions (5):

CeGaT Center for Human Genetics Tuebingen
Classification: Likely benign. Last evaluated: 2026-06-01. Review status: criteria provided, single submitter. Criteria: CeGaT Center For Human Genetics Tuebingen Variant Classification Criteria Version 2. Collection method: clinical testing. Allele origin: germline. Affected: yes. Observed: 3 variant alleles.
Comment: WDR81: BP4, BS1

Mayo Clinic Laboratories, Mayo Clinic
Classification: Benign. Last evaluated: 2025-08-07. Review status: criteria provided, single submitter. Criteria: ACMG Guidelines, 2015. Collection method: clinical testing. Allele origin: germline. Observed: 1 variant allele.
Comment: BA1

Labcorp Genetics (formerly Invitae), Labcorp
Classification: Benign. Last evaluated: 2019-12-31. Review status: criteria provided, single submitter. Criteria: Invitae Variant Classification Sherloc (09022015). Collection method: clinical testing. Allele origin: germline.

Center for Pediatric Genomic Medicine, Children's Mercy Hospital and Clinics
Classification: Likely benign. Last evaluated: 2017-01-05. Review status: criteria provided, single submitter. Criteria: ACMG Guidelines, 2015. Collection method: clinical testing. Allele origin: germline.
ClinVar note: Converted during submission from Likely Benign to Likely benign.

Breakthrough Genomics
Classification: Likely benign. Review status: criteria provided, single submitter. Criteria: ACMG Guidelines, 2015. Collection method: not provided. Allele origin: germline. Inheritance: Autosomal recessive inheritance. Affected: yes.